The following is an entry in ClinVar:

ClinVar aggregate classification (germline): Uncertain significance. Review status: criteria provided, multiple submitters, no conflicts (2 of 4 stars). 2 submissions from 2 submitters: Uncertain significance (2). Last evaluated 2025-04-06.

Allele frequency attached by ClinVar (database versions not stated): gnomAD 0.00001; TOPMed 0.00001; ExAC 0.00002.
gnomAD v4.1: 5 of 1,608,302 alleles (0.00031%); highest among the groups gnomAD compares: East Asian, 0.0089%; no homozygotes.

Submissions (2):

GeneDx
Classification: Uncertain significance. Last evaluated: 2025-04-06. Review status: criteria provided, single submitter. Criteria: GeneDx Variant Classification Process June 2021. Collection method: clinical testing. Allele origin: germline. Affected: yes.
Comment: In silico analysis indicates that this missense variant does not alter protein structure/function; Has not been previously published as pathogenic or benign to our knowledge

Labcorp Genetics (formerly Invitae), Labcorp
Classification: Uncertain significance. Last evaluated: 2022-08-19. Review status: criteria provided, single submitter. Criteria: Invitae Variant Classification Sherloc (09022015). Collection method: clinical testing. Allele origin: germline.
Comment: This variant has not been reported in the literature in individuals affected with CCDC88A-related conditions. In summary, the available evidence is currently insufficient to determine the role of this variant in disease. Therefore, it has been classified as a Variant of Uncertain Significance. Algorithms developed to predict the effect of missense changes on protein structure and function (SIFT, PolyPhen-2, Align-GVGD) all suggest that this variant is likely to be tolerated. This variant is present in population databases (rs756254873, gnomAD 0.01%). This sequence change replaces histidine, which is basic and polar, with arginine, which is basic and polar, at codon 452 of the CCDC88A protein (p.His452Arg).

NM_001365480.1(CCDC88A):c.1355A>G (p.His452Arg)

Gene: CCDC88A (coiled-coil and HOOK domain protein 88A; minus strand). Cytogenetic location: 2p16.1.
Variant type: single nucleotide variant.
Coding change: c.1355A>G on transcript NM_001365480.1 (MANE Select); coding-DNA position 1355, A replaced by G.
Protein change: p.His452Arg; replaces histidine 452 with arginine.
Molecular consequence: missense variant.
Genome position (GRCh38, 1-based): chr2:55,339,627, T>C on the plus strand (A>G on the coding strand, the complement: CCDC88A is on the minus strand). VCF-style: chr2-55339627-T-C. GRCh37 (hg19) VCF-style: chr2-55566763-T-C.
Other names: c.1355A>G (NM_001135597.1); c.1355A>G, p.His452Arg (NM_001135597.2, NM_001254943.2, NM_018084.5); short protein forms H452R.
Identifiers: ClinVar variation 2142378 (VCV002142378.5), dbSNP rs756254873, ClinGen allele CA1666161.